The following is an entry in ClinVar:

NM_005908.4(MANBA):c.683C>T (p.Ala228Val)

Gene: MANBA (mannosidase beta; minus strand). Cytogenetic location: 4q24.
Variant type: single nucleotide variant.
Coding change: c.683C>T on transcript NM_005908.4 (MANE Select); coding-DNA position 683, C replaced by T.
Protein change: p.Ala228Val; replaces alanine 228 with valine.
Molecular consequence: missense variant.
Genome position (GRCh38, 1-based): chr4:102,690,762, G>A on the plus strand (C>T on the coding strand, the complement: MANBA is on the minus strand). VCF-style: chr4-102690762-G-A. GRCh37 (hg19) VCF-style: chr4-103611919-G-A.
Other names: short protein forms A228V.
Identifiers: ClinVar variation 2177916 (VCV002177916.2), dbSNP rs767233763, ClinGen allele CA3027129.

ClinVar aggregate classification (germline): Uncertain significance. Review status: criteria provided, multiple submitters, no conflicts (2 of 4 stars). 2 submissions from 2 submitters: Uncertain significance (2). Last evaluated 2024-03-28.

Conditions:
Beta-D-mannosidosis (MANSB). Also called: Beta-Mannosidosis; MANNOSIDOSIS, BETA A, LYSOSOMAL; BETA-MANNOSIDASE DEFICIENCY; LYSOSOMAL BETA-MANNOSIDASE DEFICIENCY. Identifiers: Orphanet 118, MedGen C4048196, MONDO:0009562, OMIM 248510.

Allele frequency attached by ClinVar (database versions not stated): ExAC 0.00002; gnomAD exomes 0.00009.
gnomAD v4.1: 121 of 1,509,204 alleles (0.008%); highest among the groups gnomAD compares: East Asian, 0.29%; no homozygotes.

Submissions (2):

Fulgent Genetics
Classification: Uncertain significance for Beta-D-mannosidosis. Last evaluated: 2024-03-28. Review status: criteria provided, single submitter. Criteria: ACMG Guidelines, 2015. Collection method: clinical testing. Allele origin: germline.

Labcorp Genetics (formerly Invitae), Labcorp
Classification: Uncertain significance for Beta-D-mannosidosis. Last evaluated: 2022-02-24. Review status: criteria provided, single submitter. Criteria: Invitae Variant Classification Sherloc (09022015). Collection method: clinical testing. Allele origin: germline.
Comment: This sequence change replaces alanine, which is neutral and non-polar, with valine, which is neutral and non-polar, at codon 228 of the MANBA protein (p.Ala228Val). This variant is present in population databases (rs767233763, gnomAD 0.03%). This variant has not been reported in the literature in individuals affected with MANBA-related conditions. Algorithms developed to predict the effect of missense changes on protein structure and function (SIFT, PolyPhen-2, Align-GVGD) all suggest that this variant is likely to be tolerated. In summary, the available evidence is currently insufficient to determine the role of this variant in disease. Therefore, it has been classified as a Variant of Uncertain Significance.